The following is an entry in ClinVar:

ClinVar aggregate classification (germline): Uncertain significance. Review status: criteria provided, multiple submitters, no conflicts (2 of 4 stars). 2 submissions from 2 submitters: Uncertain significance (2). Last evaluated 2024-01-29.

Conditions:
ALG1-congenital disorder of glycosylation. Also called: CONGENITAL DISORDER OF GLYCOSYLATION, TYPE Ik; CDG Ik; ALG1-CDG. Identifiers: Orphanet 79327, MedGen C2931005, MONDO:0012052, OMIM 608540.

Allele frequency attached by ClinVar (database versions not stated): gnomAD exomes 0.00001.

Submissions (2):

Fulgent Genetics
Classification: Uncertain significance for ALG1-congenital disorder of glycosylation. Last evaluated: 2024-01-29. Review status: criteria provided, single submitter. Criteria: ACMG Guidelines, 2015. Collection method: clinical testing. Allele origin: germline.

Labcorp Genetics (formerly Invitae), Labcorp
Classification: Uncertain significance for ALG1-congenital disorder of glycosylation. Last evaluated: 2022-02-04. Review status: criteria provided, single submitter. Criteria: Invitae Variant Classification Sherloc (09022015). Collection method: clinical testing. Allele origin: germline.
Comment: This sequence change replaces arginine, which is basic and polar, with glutamine, which is neutral and polar, at codon 263 of the ALG1 protein (p.Arg263Gln). This variant is not present in population databases (gnomAD no frequency). This variant has not been reported in the literature in individuals affected with ALG1-related conditions. Advanced modeling of protein sequence and biophysical properties (such as structural, functional, and spatial information, amino acid conservation, physicochemical variation, residue mobility, and thermodynamic stability) performed at Invitae indicates that this missense variant is not expected to disrupt ALG1 protein function. Algorithms developed to predict the effect of sequence changes on RNA splicing suggest that this variant may create or strengthen a splice site. In summary, the available evidence is currently insufficient to determine the role of this variant in disease. Therefore, it has been classified as a Variant of Uncertain Significance.

NM_019109.5(ALG1):c.788G>A (p.Arg263Gln)

Gene: ALG1 (ALG1 chitobiosyldiphosphodolichol beta-mannosyltransferase; plus strand). Cytogenetic location: 16p13.3.
Variant type: single nucleotide variant.
Coding change: c.788G>A on transcript NM_019109.5 (MANE Select); coding-DNA position 788, G replaced by A.
Protein change: p.Arg263Gln; replaces arginine 263 with glutamine.
Molecular consequence: missense variant.
Genome position (GRCh38, 1-based): chr16:5,078,804, G>A. VCF-style: chr16-5078804-G-A. GRCh37 (hg19) VCF-style: chr16-5128805-G-A.
Other names: c.455G>A, p.Arg152Gln (NM_001330504.2); short protein forms R152Q, R263Q.
Identifiers: ClinVar variation 1447035 (VCV001447035.6), dbSNP rs1308969550, ClinGen allele CA394681763.